The following is an entry in ClinVar:

ClinVar aggregate classification (germline): Conflicting classifications of pathogenicity. Review status: criteria provided, conflicting classifications (1 of 4 stars). 2 submissions from 2 submitters: Uncertain significance (1); Likely benign (1). Last evaluated 2025-04-03.

Conditions:
Hereditary cancer-predisposing syndrome. Also called: Hereditary neoplastic syndrome; Neoplastic Syndromes, Hereditary; Tumor predisposition; Hereditary Cancer Syndrome. Identifiers: Orphanet 140162, MedGen C0027672, MeSH D009386, MONDO:0015356.
Tuberous sclerosis 1 (TSC1). Identifiers: Orphanet 805, MedGen C1854465, MONDO:0008612, OMIM 191100.

Allele frequency attached by ClinVar (database versions not stated): gnomAD exomes 0.00001.
gnomAD v4.1: 7 of 1,613,750 alleles (0.00043%); highest among the groups gnomAD compares: East Asian, 0.013%; no homozygotes.

Submissions (2):

Ambry Genetics
Classification: Likely benign for Hereditary cancer-predisposing syndrome. Last evaluated: 2025-04-03. Review status: criteria provided, single submitter. Criteria: Ambry Variant Classification Scheme 2023. Collection method: clinical testing. Allele origin: germline.

Labcorp Genetics (formerly Invitae), Labcorp
Classification: Uncertain significance for Tuberous sclerosis 1. Last evaluated: 2023-09-25. Review status: criteria provided, single submitter. Criteria: Invitae Variant Classification Sherloc (09022015). Collection method: clinical testing. Allele origin: germline.
Comment: In summary, the available evidence is currently insufficient to determine the role of this variant in disease. Therefore, it has been classified as a Variant of Uncertain Significance. RNA analysis performed to evaluate the impact of this missense change on mRNA splicing indicates it does not significantly alter splicing (Invitae). Advanced modeling of protein sequence and biophysical properties (such as structural, functional, and spatial information, amino acid conservation, physicochemical variation, residue mobility, and thermodynamic stability) performed at Invitae indicates that this missense variant is not expected to disrupt TSC1 protein function. ClinVar contains an entry for this variant (Variation ID: 411265). This variant has not been reported in the literature in individuals affected with TSC1-related conditions. This variant is not present in population databases (gnomAD no frequency). This sequence change replaces threonine, which is neutral and polar, with alanine, which is neutral and non-polar, at codon 380 of the TSC1 protein (p.Thr380Ala).

NM_000368.5(TSC1):c.1138A>G (p.Thr380Ala)

Gene: TSC1 (TSC complex subunit 1; minus strand). Cytogenetic location: 9q34.13.
Variant type: single nucleotide variant.
Coding change: c.1138A>G on transcript NM_000368.5 (MANE Select); coding-DNA position 1138, A replaced by G.
Protein change: p.Thr380Ala; replaces threonine 380 with alanine.
Molecular consequence: missense variant.
Genome position (GRCh38, 1-based): chr9:132,911,005, T>C on the plus strand (A>G on the coding strand, the complement: TSC1 is on the minus strand). VCF-style: chr9-132911005-T-C. GRCh37 (hg19) VCF-style: chr9-135786392-T-C.
Other names: c.1138A>G, p.Thr380Ala (NM_001162426.2); c.985A>G, p.Thr329Ala (NM_001162427.2); c.775A>G, p.Thr259Ala (NM_001362177.2); short protein forms T380A, T259A, T329A.
Identifiers: ClinVar variation 411265 (VCV000411265.13), dbSNP rs1060503216, ClinGen allele CA16612770.